The following is an entry in ClinVar:

NM_000038.6(APC):c.4558G>A (p.Val1520Met)

Gene: APC (APC regulator of Wnt signaling pathway; plus strand). Cytogenetic location: 5q22.2.
Variant type: single nucleotide variant.
Coding change: c.4558G>A on transcript NM_000038.6 (MANE Select); coding-DNA position 4558, G replaced by A.
Protein change: p.Val1520Met; replaces valine 1520 with methionine.
Molecular consequence: missense variant.
Genome position (GRCh38, 1-based): chr5:112,840,152, G>A. VCF-style: chr5-112840152-G-A. GRCh37 (hg19) VCF-style: chr5-112175849-G-A.
Other names: c.4558G>A, p.Val1520Met (NM_001127510.3, NM_001354895.2); c.4504G>A, p.Val1502Met (NM_001127511.3); c.4612G>A, p.Val1538Met (NM_001354896.2); c.4588G>A, p.Val1530Met (NM_001354897.2); c.4483G>A, p.Val1495Met (NM_001354898.2); c.4474G>A, p.Val1492Met (NM_001354899.2); c.4435G>A, p.Val1479Met (NM_001354900.2); c.4381G>A, p.Val1461Met (NM_001354901.2); and 5 more; short protein forms V1502M, V1520M, V1237M, V1394M, V1419M, V1495M, V1479M, V1538M.
Identifiers: ClinVar variation 489453 (VCV000489453.20), dbSNP rs964842635, ClinGen allele CA16031309.
Genomic context (GRCh38, chr5:112,840,152, plus strand): 5'-TTTTCTTGTTCATCCAGCCTGAGTGCTCTGAGCCTCGATGAGCCATTTATACAGAAAGAT[G>A]TGGAATTAAGAATAATGCCTCCAGTTCAGGAAAATGACAATGGGAATGAAACAGAATCAG-3'
Protein context (NP_000029.2, residues 1510-1530): SLDEPFIQKD[Val1520Met]ELRIMPPVQE

ClinVar aggregate classification (germline): Uncertain significance. Review status: criteria provided, multiple submitters, no conflicts (2 of 4 stars). 7 submissions from 7 submitters: Uncertain significance (7). Last evaluated 2026-02-16.

Conditions:
Hereditary cancer-predisposing syndrome. Also called: Neoplastic Syndromes, Hereditary; Hereditary Cancer Syndrome; Hereditary neoplastic syndrome; Tumor predisposition. Identifiers: Orphanet 140162, MedGen C0027672, MeSH D009386, MONDO:0015356.
Classic or attenuated familial adenomatous polyposis. Identifiers: MedGen CN372698, MONDO:0021057.
Familial adenomatous polyposis 1 (FAP1). Also called: FAMILIAL ADENOMATOUS POLYPOSIS 1, ATTENUATED; POLYPOSIS, ADENOMATOUS INTESTINAL. Identifiers: MedGen C2713442, MONDO:0021056, OMIM 175100. Disease mechanism: loss of function.

Allele frequency attached by ClinVar (database versions not stated): gnomAD exomes below 0.00001.
gnomAD v4.1: 2 of 1,614,120 alleles (0.00012%); highest among the groups gnomAD compares: South Asian, 0.0022%; no homozygotes.

Submissions (7):

Institute for Biomarker Research, Medical Diagnostic Laboratories, L.L.C.
Classification: Uncertain significance for Hereditary cancer-predisposing syndrome. Last evaluated: 2026-02-16. Review status: criteria provided, single submitter. Criteria: ACMG Guidelines, 2015. Collection method: clinical testing. Allele origin: germline.
Comment: The missense variant NM_000038.6(APC):c.4558G>A (p.Val1520Met) has not been reported previously as a pathogenic variant nor as a benign variant, to our knowledge (Accession: VCV000489453.18). The p.Val1520Met variant is observed in 1/30,608 (0.0033%) alleles from individuals of gnomAD South Asian background in gnomAD. There is a small physicochemical difference between valine and methionine, which is not likely to impact secondary protein structure as these residues share similar properties. The p.Val1520Met missense variant is predicted to be damaging by both SIFT and PolyPhen2. The valine residue at codon 1520 of APC is conserved in all mammalian species. The nucleotide c.4558 in APC is predicted conserved by GERP++ and PhyloP across 100 vertebrates. For these reasons, this variant has been classified as Uncertain Significance.

Quest Diagnostics Nichols Institute San Juan Capistrano
Classification: Uncertain significance. Last evaluated: 2025-10-08. Review status: criteria provided, single submitter. Criteria: Quest Diagnostics criteria. Collection method: clinical testing. Allele origin: unknown.
Comment: The APC c.4558G>A (p.Val1520Met) variant has not been reported in individuals with APC-related conditions in the published literature. The frequency of this variant in the general population (Genome Aggregation Database) is uninformative in the assessment of its pathogenicity. Analysis of this variant using bioinformatics tools for the prediction of the effect of amino acid changes on protein structure and function yielded predictions that this variant is damaging. Based on the available information, we are unable to determine the clinical significance of this variant.

Labcorp Genetics (formerly Invitae), Labcorp
Classification: Uncertain significance for Familial adenomatous polyposis 1. Last evaluated: 2024-09-15. Review status: criteria provided, single submitter. Criteria: Invitae Variant Classification Sherloc (09022015). Collection method: clinical testing. Allele origin: germline.
Comment: This sequence change replaces valine, which is neutral and non-polar, with methionine, which is neutral and non-polar, at codon 1520 of the APC protein (p.Val1520Met). This variant is present in population databases (no rsID available, gnomAD 0.003%). This variant has not been reported in the literature in individuals affected with APC-related conditions. ClinVar contains an entry for this variant (Variation ID: 489453). Invitae Evidence Modeling of protein sequence and biophysical properties (such as structural, functional, and spatial information, amino acid conservation, physicochemical variation, residue mobility, and thermodynamic stability) indicates that this missense variant is not expected to disrupt APC protein function with a negative predictive value of 95%. In summary, the available evidence is currently insufficient to determine the role of this variant in disease. Therefore, it has been classified as a Variant of Uncertain Significance.

Ambry Genetics
Classification: Uncertain significance for Hereditary cancer-predisposing syndrome. Last evaluated: 2024-03-11. Review status: criteria provided, single submitter. Criteria: Ambry Variant Classification Scheme 2023. Collection method: clinical testing. Allele origin: germline.
Comment: The p.V1520M variant (also known as c.4558G>A), located in coding exon 15 of the APC gene, results from a G to A substitution at nucleotide position 4558. The valine at codon 1520 is replaced by methionine, an amino acid with highly similar properties. This amino acid position is well conserved in available vertebrate species. In addition, in silico predictors for this gene do not accurately predict pathogenicity. Based on the available evidence, the clinical significance of this alteration remains unclear.

Color Diagnostics, LLC DBA Color Health
Classification: Uncertain significance for Hereditary cancer-predisposing syndrome. Last evaluated: 2024-01-08. Review status: criteria provided, single submitter. Criteria: ACMG Guidelines, 2015. Collection method: clinical testing. Allele origin: germline.
Comment: This missense variant replaces valine with methionine at codon 1520 of the APC protein. Computational prediction suggests that this variant may not impact protein structure and function (internally defined REVEL score threshold <= 0.5, PMID: 27666373). To our knowledge, functional studies have not been reported for this variant. This variant has not been reported in individuals affected with APC-related disorders in the literature. This variant has been identified in 1/250450 chromosomes in the general population by the Genome Aggregation Database (gnomAD). The available evidence is insufficient to determine the role of this variant in disease conclusively. Therefore, this variant is classified as a Variant of Uncertain Significance.

All of Us Research Program, National Institutes of Health
Classification: Uncertain significance for Classic or attenuated familial adenomatous polyposis. Last evaluated: 2023-11-30. Review status: criteria provided, single submitter. Criteria: ACMG Guidelines, 2015. Collection method: clinical testing. Allele origin: germline. Inheritance: Autosomal dominant inheritance. Observed: 1 variant allele, 1 heterozygote.
Comment: This study involves interpretation of variants in research participants for the purpose of population health screening. Participant phenotype was not available at the time of variant classification. Additional details can be found in publication PMID: 35346344, PMCID: PMC8962531

GeneDx
Classification: Uncertain significance. Last evaluated: 2023-10-19. Review status: criteria provided, single submitter. Criteria: GeneDx Variant Classification Process June 2021. Collection method: clinical testing. Allele origin: germline. Affected: yes.
Comment: Not observed at significant frequency in large population cohorts (gnomAD); In silico analysis supports that this missense variant does not alter protein structure/function; Has not been previously published as pathogenic or benign to our knowledge; This variant is associated with the following publications: (PMID: 18199528)